The following is an entry in ClinVar:

NC_000017.11:g.40356228C>T

Genes: RARA (retinoic acid receptor alpha; plus strand), GJD3 (gap junction protein delta 3; minus strand). Cytogenetic location: 17q21.2.
Variant type: single nucleotide variant.
Molecular consequence: 3 prime UTR variant (on NM_000964.4).
Genome position: GRCh38 VCF-style: chr17-40356228-C-T. GRCh37 (hg19) VCF-style: chr17-38512480-C-T.
Other names: c.*2C>T (NM_000964.4, NM_001024809.4, NM_001145301.3 and 1 more transcripts).
Identifiers: ClinVar variation 3387756 (VCV003387756.2).

ClinVar aggregate classification (germline): Uncertain significance (1 of 4 stars; one submission).

Conditions:
Meniere disease. Also called: Ménière's disease. Identifiers: MedGen C0025281, MONDO:0007972, OMIM 156000.

gnomAD v4.1: 31,309 of 1,549,578 alleles (2%); highest among the groups gnomAD compares: Non-Finnish European, 2.4%; 367 homozygotes.

Submission:

Meniere Disease Neuroscience Research Program, Faculty of Medicine and Health, Kolling Institute, The University of Sydney
Classification: Uncertain significance for Meniere disease. Last evaluated: 2024-01-09. Review status: criteria provided, single submitter. Criteria: ACMG Guidelines, 2015. Collection method: research. Allele origin: germline. Affected: yes. Observed: 18 variant alleles.
Comment: The NC_000017.11:g.40356228C>T, is a downstream variant in GJD3 gene. The variant is part of an haplotype involved in Meniere’s Disease, composed by g.40356228C>T, g.40363058C>G, g.40363293G>A, g.40363294C>G and g.40363579G>T. The haplotype was found in 10 individuals with familial Meniere’s Disease, segregating in 3 of these families (PP1); and in another 8 individuals with sporadic Meniere’s Disease. The position is not conserved (phyloP = 0.228) (BP4). In summary, this variant meets the criteria to be classified as uncertain significance based on the ACMG/AMP criteria applied: PP1, BP4.